The following is an entry in ClinVar:

NM_006767.4(LZTR1):c.1006G>T (p.Glu336Ter)

Gene: LZTR1 (leucine zipper like post translational regulator 1; plus strand). Cytogenetic location: 22q11.21.
Variant type: single nucleotide variant.
Coding change: c.1006G>T on transcript NM_006767.4 (MANE Select); coding-DNA position 1006, G replaced by T.
Protein change: p.Glu336Ter; replaces glutamic acid 336 with a stop codon.
Molecular consequence: nonsense.
Genome position (GRCh38, 1-based): chr22:20,992,226, G>T. VCF-style: chr22-20992226-G-T. GRCh37 (hg19) VCF-style: chr22-21346515-G-T.
Other names: short protein forms E336*.
Identifiers: ClinVar variation 2730585 (VCV002730585.3), dbSNP rs2518617919, ClinGen allele CA410781749.

ClinVar aggregate classification (germline): Pathogenic (1 of 4 stars; one submission).

Submission:

Labcorp Genetics (formerly Invitae), Labcorp
Classification: Pathogenic. Last evaluated: 2023-07-26. Review status: criteria provided, single submitter. Criteria: Invitae Variant Classification Sherloc (09022015). Collection method: clinical testing. Allele origin: germline.
Comment: For these reasons, this variant has been classified as Pathogenic. This variant has not been reported in the literature in individuals affected with LZTR1-related conditions. This variant is not present in population databases (gnomAD no frequency). This sequence change creates a premature translational stop signal (p.Glu336*) in the LZTR1 gene. It is expected to result in an absent or disrupted protein product. Loss-of-function variants in LZTR1 are known to be pathogenic (PMID: 24362817, 25335493, 25480913, 25795793, 29469822, 30368668, 30442762, 30442766, 30481304, 30859559).

Literature cited by the submitters: PubMed 24362817; PubMed 25335493; PubMed 25480913; PubMed 25795793; PubMed 29469822; PubMed 30368668; PubMed 30442762; PubMed 30442766; PubMed 30481304; PubMed 30859559.